The following is an entry in ClinVar:

ClinVar aggregate classification (germline): Uncertain significance. Review status: criteria provided, multiple submitters, no conflicts (2 of 4 stars). 2 submissions from 2 submitters: Uncertain significance (2). Last evaluated 2025-01-30.

Conditions:
Inborn genetic diseases. Identifiers: MedGen C0950123, MeSH D030342.

Allele frequency attached by ClinVar (database versions not stated): TOPMed below 0.00001; ExAC 0.00001; gnomAD 0.00001; gnomAD exomes 0.00002.
gnomAD v4.1: 28 of 1,614,076 alleles (0.0017%); highest among the groups gnomAD compares: East Asian, 0.0022%; no homozygotes.

Submissions (2):

Ambry Genetics
Classification: Uncertain significance for Inborn genetic diseases. Last evaluated: 2025-01-30. Review status: criteria provided, single submitter. Criteria: Ambry Variant Classification Scheme 2023. Collection method: clinical testing. Allele origin: germline.

Labcorp Genetics (formerly Invitae), Labcorp
Classification: Uncertain significance. Last evaluated: 2022-07-15. Review status: criteria provided, single submitter. Criteria: Invitae Variant Classification Sherloc (09022015). Collection method: clinical testing. Allele origin: germline.
Comment: This sequence change replaces leucine, which is neutral and non-polar, with phenylalanine, which is neutral and non-polar, at codon 664 of the FERMT1 protein (p.Leu664Phe). This variant is present in population databases (rs771166313, gnomAD 0.003%). This variant has not been reported in the literature in individuals affected with FERMT1-related conditions. Algorithms developed to predict the effect of missense changes on protein structure and function are either unavailable or do not agree on the potential impact of this missense change (SIFT: "Deleterious"; PolyPhen-2: "Possibly Damaging"; Align-GVGD: "Class C15"). In summary, the available evidence is currently insufficient to determine the role of this variant in disease. Therefore, it has been classified as a Variant of Uncertain Significance.

NM_017671.5(FERMT1):c.1990C>T (p.Leu664Phe)

Gene: FERMT1 (FERM domain containing kindlin 1; minus strand). Cytogenetic location: 20p12.3.
Variant type: single nucleotide variant.
Coding change: c.1990C>T on transcript NM_017671.5 (MANE Select); coding-DNA position 1990, C replaced by T.
Protein change: p.Leu664Phe; replaces leucine 664 with phenylalanine.
Molecular consequence: missense variant.
Genome position (GRCh38, 1-based): chr20:6,077,217, G>A on the plus strand (C>T on the coding strand, the complement: FERMT1 is on the minus strand). VCF-style: chr20-6077217-G-A. GRCh37 (hg19) VCF-style: chr20-6057864-G-A.
Other names: c.1990C>T (NM_017671.4); short protein forms L664F.
Identifiers: ClinVar variation 1899121 (VCV001899121.3), dbSNP rs771166313, ClinGen allele CA9757989.